The following is an entry in ClinVar:

NM_001256012.3(MYH10):c.5287C>A (p.Arg1763=)

Gene: MYH10 (myosin heavy chain 10; minus strand). Cytogenetic location: 17p13.1.
Variant type: single nucleotide variant.
Coding change: c.5287C>A on transcript NM_001256012.3 (MANE Select); coding-DNA position 5287, C replaced by A.
Protein change: p.Arg1763=; no amino-acid change (arginine 1763 retained).
Molecular consequence: synonymous variant.
Genome position (GRCh38, 1-based): chr17:8,480,503, G>T on the plus strand (C>A on the coding strand, the complement: MYH10 is on the minus strand). VCF-style: chr17-8480503-G-T. GRCh37 (hg19) VCF-style: chr17-8383821-G-T.
Other names: c.5221C>A, p.Arg1741= (NM_001256095.2); c.5224C>A, p.Arg1742= (NM_001375266.1); c.5194C>A, p.Arg1732= (NM_005964.5).
Identifiers: ClinVar variation 4533417 (VCV004533417.6).
Genomic context (GRCh38, chr17:8,480,503, plus strand): 5'-TGTTGCTCTGCTCCTCTTCCAGCTCCTCCTCCAGCTGTGCGATCCGAGCTTCCAGACGCC[G>T]CTTCTCATCCAGCAGCGCGGACCTGGCGGGGAGAGGAGGAGGGGACGGTTCAATCCCAGC-3'
Protein context (NP_001242941.1, residues 1753-1773): SGKSALLDEK[Arg1763=]RLEARIAQLE

ClinVar aggregate classification (germline): Benign (1 of 4 stars; one submission).

gnomAD v4.1: 19,306 of 1,609,944 alleles (1.2%); highest among the groups gnomAD compares: Non-Finnish European, 1.4%; 140 homozygotes.

Submission:

CeGaT Center for Human Genetics Tuebingen
Classification: Benign. Last evaluated: 2025-10-01. Review status: criteria provided, single submitter. Criteria: CeGaT Center For Human Genetics Tuebingen Variant Classification Criteria Version 2. Collection method: clinical testing. Allele origin: germline. Affected: yes. Observed: 1 variant allele.
Comment: MYH10: BP4, BS1, BS2